The following is an entry in ClinVar:

NM_000489.6(ATRX):c.2218G>C (p.Glu740Gln)

Gene: ATRX (ATRX chromatin remodeler; minus strand). Cytogenetic location: Xq21.1.
Variant type: single nucleotide variant.
Coding change: c.2218G>C on transcript NM_000489.6 (MANE Select); coding-DNA position 2218, G replaced by C.
Protein change: p.Glu740Gln; replaces glutamic acid 740 with glutamine.
Molecular consequence: missense variant.
Genome position (GRCh38, 1-based): chrX:77,683,038, C>G on the plus strand (G>C on the coding strand, the complement: ATRX is on the minus strand). VCF-style: chrX-77683038-C-G. GRCh37 (hg19) VCF-style: chrX-76938530-C-G.
Other names: c.2104G>C, p.Glu702Gln (NM_138270.5); short protein forms E702Q, E740Q.
Identifiers: ClinVar variation 1444762 (VCV001444762.5), dbSNP rs782341193, ClinGen allele CA413712927.

ClinVar aggregate classification (germline): Uncertain significance (1 of 4 stars; one submission).

Conditions:
Alpha thalassemia-X-linked intellectual disability syndrome (ATRX). Also called: X-linked alpha-thalassemia-mental retardation syndrome; ALPHA-THALASSEMIA/IMPAIRED INTELLECTUAL DEVELOPMENT SYNDROME, X-LINKED; ALPHA-THALASSEMIA/MENTAL RETARDATION SYNDROME, X-LINKED; ATR, NONDELETION TYPE; ATR-X syndrome; Alpha thalassemia mental retardation syndrome, nondeletion type, X-linked. Identifiers: Orphanet 847, MedGen C1845055, MONDO:0010519, OMIM 301040.

gnomAD v4.1: 1 of 1,210,760 alleles (0.000083%); highest among the groups gnomAD compares: Non-Finnish European, 0.00011%; no homozygotes.

Submission:

Labcorp Genetics (formerly Invitae), Labcorp
Classification: Uncertain significance for Alpha thalassemia-X-linked intellectual disability syndrome. Last evaluated: 2021-08-27. Review status: criteria provided, single submitter. Criteria: Invitae Variant Classification Sherloc (09022015). Collection method: clinical testing. Allele origin: germline.
Comment: This sequence change replaces glutamic acid with glutamine at codon 740 of the ATRX protein (p.Glu740Gln). The glutamic acid residue is highly conserved and there is a small physicochemical difference between glutamic acid and glutamine. This variant is not present in population databases (ExAC no frequency). This variant has not been reported in the literature in individuals affected with ATRX-related conditions. Advanced modeling of protein sequence and biophysical properties (such as structural, functional, and spatial information, amino acid conservation, physicochemical variation, residue mobility, and thermodynamic stability) performed at Invitae indicates that this missense variant is not expected to disrupt ATRX protein function. In summary, the available evidence is currently insufficient to determine the role of this variant in disease. Therefore, it has been classified as a Variant of Uncertain Significance.